The following is an entry in ClinVar:

NM_006208.3(ENPP1):c.1438T>C (p.Cys480Arg)

Gene: ENPP1 (ectonucleotide pyrophosphatase/phosphodiesterase 1; plus strand). Cytogenetic location: 6q23.2.
Variant type: single nucleotide variant.
Coding change: c.1438T>C on transcript NM_006208.3 (MANE Select); coding-DNA position 1438, T replaced by C.
Protein change: p.Cys480Arg; replaces cysteine 480 with arginine.
Molecular consequence: missense variant.
Genome position (GRCh38, 1-based): chr6:131,872,923, T>C. VCF-style: chr6-131872923-T-C. GRCh37 (hg19) VCF-style: chr6-132194063-T-C.
Other names: short protein forms C480R.
Identifiers: ClinVar variation 2152021 (VCV002152021.4), dbSNP rs2483504286, ClinGen allele CA365676408.
Genomic context (GRCh38, chr6:131,872,923, plus strand): 5'-GTTGACACTTTTTTAGATATTAGGGAAATAATAGTTTTTCTTTGCTGTTTGCAATTTCAG[T>C]GCCGGGAACCAAACCAGCACTTCAAACCTTACCTGAAACATTTCTTACCTAAGCGTTTGC-3'
Protein context (NP_006199.2, residues 470-490): NYEGIARNLS[Cys480Arg]REPNQHFKPY

ClinVar aggregate classification (germline): Uncertain significance (1 of 4 stars; one submission).

Allele frequency attached by ClinVar (database versions not stated): gnomAD exomes below 0.00001.
gnomAD v4.1: 3 of 1,613,706 alleles (0.00019%); highest among the groups gnomAD compares: Non-Finnish European, 0.00025%; no homozygotes.

Submission:

Labcorp Genetics (formerly Invitae), Labcorp
Classification: Uncertain significance. Last evaluated: 2025-10-05. Review status: criteria provided, single submitter. Criteria: Invitae Variant Classification Sherloc (09022015). Collection method: clinical testing. Allele origin: germline.
Comment: This sequence change replaces cysteine, which is neutral and slightly polar, with arginine, which is basic and polar, at codon 480 of the ENPP1 protein (p.Cys480Arg). This variant is not present in population databases (gnomAD no frequency). This missense change has been observed in individual(s) with arterial calcification (PMID: 29244957). It has also been observed to segregate with disease in related individuals. ClinVar contains an entry for this variant (Variation ID: 2152021). An algorithm developed to predict the effect of missense changes on protein structure and function (PolyPhen-2) suggests that this variant is likely to be disruptive. In summary, the available evidence is currently insufficient to determine the role of this variant in disease. Therefore, it has been classified as a Variant of Uncertain Significance.

Literature cited by the submitters: PubMed 29244957.